The following is an entry in ClinVar:

ClinVar aggregate classification (germline): Pathogenic. Review status: reviewed by expert panel (3 of 4 stars). 6 submissions from 6 submitters: Pathogenic (1). 5 of the submissions do not count toward it. Last evaluated 2013-09-05.

Conditions:
Lynch syndrome. Identifiers: Orphanet 144, MedGen C4552100, MONDO:0005835. Disease mechanism: loss of function.
Hereditary cancer-predisposing syndrome. Also called: Tumor predisposition; Hereditary Cancer Syndrome; Hereditary neoplastic syndrome; Neoplastic Syndromes, Hereditary. Identifiers: Orphanet 140162, MedGen C0027672, MeSH D009386, MONDO:0015356.
Lynch syndrome 5 (LYNCH5). Also called: Colorectal cancer, hereditary nonpolyposis, type 5; Hereditary non-polyposis colorectal cancer, type 5. Identifiers: Orphanet 144, MedGen C1833477, MONDO:0013710, OMIM 614350. Disease mechanism: loss of function.
Hereditary nonpolyposis colon cancer (HNPCC). Also called: Hereditary nonpolyposis colorectal cancer; Familial nonpolyposis colon cancer; Hereditary Nonpolyposis Colorectal Cancer Syndrome. Identifiers: Orphanet 443909, MedGen C1333990, MONDO:0018630. Disease mechanism: loss of function.
Hereditary nonpolyposis colorectal neoplasms. Identifiers: MedGen C0009405, MeSH D003123.

gnomAD v4.1: 1 of 1,613,006 alleles (0.000062%); highest among the groups gnomAD compares: Non-Finnish European, 0.000085%; no homozygotes.

Submissions (6):

International Society for Gastrointestinal Hereditary Tumours (InSiGHT)
Classification: Pathogenic for Lynch Syndrome. Last evaluated: 2013-09-05. Review status: reviewed by expert panel. Criteria: Guidelines v1.9. Collection method: research. Allele origin: germline.
Comment: Coding sequence variation resulting in a stop codon

Classified with v1.9 guidelines

Myriad Genetics, Inc.
Classification: Pathogenic for Lynch syndrome 5. Last evaluated: 2023-08-17. Review status: criteria provided, single submitter. Criteria: Myriad Autosomal Dominant, Autosomal Recessive and X-Linked Classification Criteria (2023). Collection method: clinical testing. Allele origin: unknown. Not counted in ClinVar's aggregate classification.
Comment: This variant is considered pathogenic. This variant creates a termination codon and is predicted to result in premature protein truncation.

Ambry Genetics
Classification: Pathogenic for Hereditary cancer-predisposing syndrome. Last evaluated: 2022-04-18. Review status: criteria provided, single submitter. Criteria: Ambry Variant Classification Scheme 2023. Collection method: clinical testing. Allele origin: germline. Not counted in ClinVar's aggregate classification.
Comment: The p.Q835* pathogenic mutation (also known as c.2503C>T), located in coding exon 4 of the MSH6 gene, results from a C to T substitution at nucleotide position 2503. This changes the amino acid from a glutamine to a stop codon within coding exon 4. The patient's family history was consistent with HNPCC (Coutinho G et al. Hum. Mutat.;25 (2):118-24). This variant is considered to be rare based on population cohorts in the Genome Aggregation Database (gnomAD). In addition to the clinical data presented in the literature, this alteration is expected to result in loss of function by premature protein truncation or nonsense-mediated mRNA decay. As such, this alteration is interpreted as a disease-causing mutation.

Labcorp Genetics (formerly Invitae), Labcorp
Classification: Pathogenic for Hereditary nonpolyposis colorectal neoplasms. Last evaluated: 2021-11-10. Review status: criteria provided, single submitter. Criteria: Invitae Variant Classification Sherloc (09022015). Collection method: clinical testing. Allele origin: germline. Not counted in ClinVar's aggregate classification.
Comment: This sequence change creates a premature translational stop signal (p.Gln835*) in the MSH6 gene. It is expected to result in an absent or disrupted protein product. Loss-of-function variants in MSH6 are known to be pathogenic (PMID: 18269114, 24362816). This variant is not present in population databases (gnomAD no frequency). This premature translational stop signal has been observed in individual(s) with Lynch syndrome (PMID: 17653898). ClinVar contains an entry for this variant (Variation ID: 89285). For these reasons, this variant has been classified as Pathogenic.

Women's Health and Genetics/Laboratory Corporation of America, LabCorp
Classification: Pathogenic for Hereditary nonpolyposis colon cancer. Last evaluated: 2021-09-10. Review status: criteria provided, single submitter. Criteria: LabCorp Variant Classification Summary - May 2015. Collection method: clinical testing. Allele origin: germline. Not counted in ClinVar's aggregate classification.
Comment: Variant summary: MSH6 c.2503C>T (p.Gln835X) results in a premature termination codon, predicted to cause a truncation of the encoded protein or absence of the protein due to nonsense mediated decay, which are commonly known mechanisms for disease. Truncations downstream of this position have been classified as pathogenic by our laboratory. The variant was absent in 248314 control chromosomes. c.2503C>T has been reported in the literature in individuals affected with Hereditary Nonpolyposis Colorectal Cancer (Rahner_2007, Steinke_2008). These data indicate that the variant may be associated with disease. At least one publication reports experimental evidence evaluating an impact on protein function and showed that the variant is associated with loss of expression of MSH6 (Rahner_2007). Three clinical diagnostic laboratories have submitted clinical-significance assessments for this variant to ClinVar after 2014 without evidence for independent evaluation. All laboratories classified the variant as pathogenic. Based on the evidence outlined above, the variant was classified as pathogenic.

GeneDx
Classification: Pathogenic. Last evaluated: 2019-08-05. Review status: criteria provided, single submitter. Criteria: GeneDx Variant Classification Process June 2021. Collection method: clinical testing. Allele origin: germline. Affected: yes. Not counted in ClinVar's aggregate classification.
Comment: Nonsense variant predicted to result in protein truncation or nonsense mediated decay in a gene for which loss-of-function is a known mechanism of disease; Not observed in large population cohorts (Lek 2016); Truncating variants in this gene are considered pathogenic by a well-established clinical consortium and/or database; Observed in individuals with Lynch syndrome (Rahner 2007); This variant is associated with the following publications: (PMID: 25525159, 17653898, 18676759, 26269718, 18301448)

Literature cited by the submitters: PubMed 18269114 (cited by Labcorp Genetics (formerly Invitae), Labcorp); PubMed 24362816 (cited by Labcorp Genetics (formerly Invitae), Labcorp); PubMed 17653898 (cited by Labcorp Genetics (formerly Invitae), Labcorp and Women's Health and Genetics/Laboratory Corporation of America, LabCorp); PubMed 18301448 (cited by Women's Health and Genetics/Laboratory Corporation of America, LabCorp).

NM_000179.3(MSH6):c.2503C>T (p.Gln835Ter)

Gene: MSH6 (mutS homolog 6; plus strand). Cytogenetic location: 2p16.3.
Variant type: single nucleotide variant.
Coding change: c.2503C>T on transcript NM_000179.3 (MANE Select); coding-DNA position 2503, C replaced by T.
Protein change: p.Gln835Ter; replaces glutamine 835 with a stop codon.
Molecular consequence: nonsense.
Genome position (GRCh38, 1-based): chr2:47,800,486, C>T. VCF-style: chr2-47800486-C-T. GRCh37 (hg19) VCF-style: chr2-48027625-C-T.
Other names: c.2113C>T, p.Gln705Ter (NM_001281492.2); c.1597C>T, p.Gln533Ter (NM_001281493.2, NM_001281494.2); short protein forms Q835*, Q705*, Q533*.
Identifiers: ClinVar variation 89285 (VCV000089285.19), dbSNP rs63751321, ClinGen allele CA010314.